The following is an entry in ClinVar:

ClinVar aggregate classification (germline): Uncertain significance (1 of 4 stars; one submission).

Conditions:
Epileptic encephalopathy. Identifiers: MedGen C0543888, HP:0200134.

Submission:

Labcorp Genetics (formerly Invitae), Labcorp
Classification: Uncertain significance for Epileptic encephalopathy. Last evaluated: 2022-09-21. Review status: criteria provided, single submitter. Criteria: Invitae Variant Classification Sherloc (09022015). Collection method: clinical testing. Allele origin: germline.
Comment: Advanced modeling of protein sequence and biophysical properties (such as structural, functional, and spatial information, amino acid conservation, physicochemical variation, residue mobility, and thermodynamic stability) performed at Invitae indicates that this missense variant is not expected to disrupt GABBR2 protein function. In summary, the available evidence is currently insufficient to determine the role of this variant in disease. Therefore, it has been classified as a Variant of Uncertain Significance. This variant has not been reported in the literature in individuals affected with GABBR2-related conditions. This variant is not present in population databases (gnomAD no frequency). This sequence change replaces glycine, which is neutral and non-polar, with alanine, which is neutral and non-polar, at codon 356 of the GABBR2 protein (p.Gly356Ala).

NM_005458.8(GABBR2):c.1067G>C (p.Gly356Ala)

Gene: GABBR2 (gamma-aminobutyric acid type B receptor subunit 2; minus strand). Cytogenetic location: 9q22.33.
Variant type: single nucleotide variant.
Coding change: c.1067G>C on transcript NM_005458.8 (MANE Select); coding-DNA position 1067, G replaced by C.
Protein change: p.Gly356Ala; replaces glycine 356 with alanine.
Molecular consequence: missense variant.
Genome position (GRCh38, 1-based): chr9:98,454,150, C>G on the plus strand (G>C on the coding strand, the complement: GABBR2 is on the minus strand). VCF-style: chr9-98454150-C-G. GRCh37 (hg19) VCF-style: chr9-101216432-C-G.
Other names: short protein forms G356A.
Identifiers: ClinVar variation 2088182 (VCV002088182.4), dbSNP rs2491624244, ClinGen allele CA374350660.